The following is an entry in ClinVar:

ClinVar aggregate classification (germline): Uncertain significance. Review status: criteria provided, multiple submitters, no conflicts (2 of 4 stars). 3 submissions from 3 submitters: Uncertain significance (3). Last evaluated 2026-06-11.

Conditions:
Inborn genetic diseases. Identifiers: MedGen C0950123, MeSH D030342.
MYO5B-related disorder. Also called: MYO5B-related condition.

Allele frequency attached by ClinVar (database versions not stated): ExAC 0.00007; gnomAD exomes 0.00007; TOPMed 0.00009; gnomAD 0.00011.
gnomAD v4.1: 121 of 1,614,014 alleles (0.0075%); highest among the groups gnomAD compares: Non-Finnish European, 0.0097%; no homozygotes.

Submissions (3):

PreventionGenetics, part of Exact Sciences
Classification: Uncertain significance for MYO5B-related condition. Last evaluated: 2026-06-11. Review status: criteria provided, single submitter. Criteria: ACMG Guidelines, 2015. Collection method: clinical testing. Allele origin: germline.
Comment: The MYO5B c.1679T>G variant is predicted to result in the amino acid substitution p.Leu560Arg. To our knowledge, this variant has not been reported in the literature. This variant is reported in 0.017% of alleles in individuals of European (Non-Finnish) descent in gnomAD. At this time, the clinical significance of this variant is uncertain due to the absence of conclusive functional and genetic evidence.

CeGaT Center for Human Genetics Tuebingen
Classification: Uncertain significance. Last evaluated: 2026-05-01. Review status: criteria provided, single submitter. Criteria: CeGaT Center For Human Genetics Tuebingen Variant Classification Criteria Version 2. Collection method: clinical testing. Allele origin: germline. Affected: yes. Observed: 1 variant allele.
Comment: MYO5B: PM2

Ambry Genetics
Classification: Uncertain significance for Inborn genetic diseases. Last evaluated: 2021-08-17. Review status: criteria provided, single submitter. Criteria: Ambry Variant Classification Scheme 2023. Collection method: clinical testing. Allele origin: germline.

NM_001080467.3(MYO5B):c.1679T>G (p.Leu560Arg)

Gene: MYO5B (myosin VB; minus strand). Cytogenetic location: 18q21.1.
Variant type: single nucleotide variant.
Coding change: c.1679T>G on transcript NM_001080467.3 (MANE Select); coding-DNA position 1679, T replaced by G.
Protein change: p.Leu560Arg; replaces leucine 560 with arginine.
Molecular consequence: missense variant.
Genome position (GRCh38, 1-based): chr18:49,953,333, A>C on the plus strand (T>G on the coding strand, the complement: MYO5B is on the minus strand). VCF-style: chr18-49953333-A-C. GRCh37 (hg19) VCF-style: chr18-47479703-A-C.
Other names: short protein forms L560R.
Identifiers: ClinVar variation 3165167 (VCV003165167.4), dbSNP rs772778406, ClinGen allele CA8961417.
Genomic context (GRCh38, chr18:49,953,333, plus strand): 5'-AGGATATTGATCTGCTCTTCATACACCGTGTCTCTGTTTTTCTCCAGAAAACCATCAGAG[A>C]GGTACTCCACCTGGGGCCACAGCAACCAGAGAGAGACACAGTCGTTAGTGCTTCAGCAGT-3'
Protein context (NP_001073936.1, residues 550-570): IVHFADKVEY[Leu560Arg]SDGFLEKNRD